The following is an entry in ClinVar:

ClinVar aggregate classification (germline): Uncertain significance (1 of 4 stars; one submission).

Conditions:
Developmental and epileptic encephalopathy, 11 (DEE11). Also called: Early infantile epileptic encephalopathy 11. Identifiers: Orphanet 1934, MedGen C3150987, MONDO:0013388, OMIM 613721.
Seizures, benign familial infantile, 3 (BFIS3). Also called: CONVULSIONS, BENIGN FAMILIAL INFANTILE, 3; Familial neonatal seizures. Identifiers: Orphanet 140927, Orphanet 306, MedGen C1843140, MONDO:0011904, OMIM 607745.

Submission:

Labcorp Genetics (formerly Invitae), Labcorp
Classification: Uncertain significance for Seizures, benign familial infantile, 3; Developmental and epileptic encephalopathy, 11. Last evaluated: 2024-02-07. Review status: criteria provided, single submitter. Criteria: Invitae Variant Classification Sherloc (09022015). Collection method: clinical testing. Allele origin: germline.
Comment: This sequence change replaces arginine, which is basic and polar, with glycine, which is neutral and non-polar, at codon 570 of the SCN2A protein (p.Arg570Gly). This variant is not present in population databases (gnomAD no frequency). This variant has not been reported in the literature in individuals affected with SCN2A-related conditions. Advanced modeling of protein sequence and biophysical properties (such as structural, functional, and spatial information, amino acid conservation, physicochemical variation, residue mobility, and thermodynamic stability) performed at Invitae indicates that this missense variant is expected to disrupt SCN2A protein function with a positive predictive value of 95%. Algorithms developed to predict the effect of sequence changes on RNA splicing suggest that this variant may disrupt the consensus splice site. In summary, the available evidence is currently insufficient to determine the role of this variant in disease. Therefore, it has been classified as a Variant of Uncertain Significance.

NM_001040142.2(SCN2A):c.1708A>G (p.Arg570Gly)

Gene: SCN2A (sodium voltage-gated channel alpha subunit 2; plus strand). Cytogenetic location: 2q24.3.
Variant type: single nucleotide variant.
Coding change: c.1708A>G on transcript NM_001040142.2 (MANE Select); coding-DNA position 1708, A replaced by G.
Protein change: p.Arg570Gly; replaces arginine 570 with glycine.
Molecular consequence: missense variant.
Genome position (GRCh38, 1-based): chr2:165,323,192, A>G. VCF-style: chr2-165323192-A-G. GRCh37 (hg19) VCF-style: chr2-166179702-A-G.
Other names: c.1708A>G, p.Arg570Gly (NM_001040143.2, NM_001371246.1, NM_001371247.1 and 1 more transcripts); short protein forms R570G.
Identifiers: ClinVar variation 3753657 (VCV003753657.2).